The following is an entry in ClinVar:

ClinVar aggregate classification (germline): Uncertain significance (1 of 4 stars; one submission).

Conditions:
Schimke immuno-osseous dysplasia (SIOD). Also called: Schimke Immunoosseous Dysplasia. Identifiers: Orphanet 1830, MedGen C0877024, MONDO:0009458, OMIM 242900.

Allele frequency attached by ClinVar (database versions not stated): ExAC 0.00003.
gnomAD v4.1: 7 of 1,614,226 alleles (0.00043%); highest among the groups gnomAD compares: Admixed American, 0.012%; no homozygotes.

Submission:

Labcorp Genetics (formerly Invitae), Labcorp
Classification: Uncertain significance for Schimke immuno-osseous dysplasia. Last evaluated: 2022-06-29. Review status: criteria provided, single submitter. Criteria: Invitae Variant Classification Sherloc (09022015). Collection method: clinical testing. Allele origin: germline.
Comment: This sequence change replaces asparagine, which is neutral and polar, with lysine, which is basic and polar, at codon 235 of the SMARCAL1 protein (p.Asn235Lys). This variant is present in population databases (rs749145673, gnomAD 0.01%). This variant has not been reported in the literature in individuals affected with SMARCAL1-related conditions. Algorithms developed to predict the effect of missense changes on protein structure and function (SIFT, PolyPhen-2, Align-GVGD) all suggest that this variant is likely to be tolerated. In summary, the available evidence is currently insufficient to determine the role of this variant in disease. Therefore, it has been classified as a Variant of Uncertain Significance.

NM_014140.4(SMARCAL1):c.705C>A (p.Asn235Lys)

Gene: SMARCAL1 (SNF2 related chromatin remodeling annealing helicase 1; plus strand). Cytogenetic location: 2q35.
Variant type: single nucleotide variant.
Coding change: c.705C>A on transcript NM_014140.4 (MANE Select); coding-DNA position 705, C replaced by A.
Protein change: p.Asn235Lys; replaces asparagine 235 with lysine.
Molecular consequence: missense variant.
Genome position (GRCh38, 1-based): chr2:216,415,409, C>A. VCF-style: chr2-216415409-C-A. GRCh37 (hg19) VCF-style: chr2-217280132-C-A.
Other names: c.705C>A, p.Asn235Lys (NM_001127207.2); short protein forms N235K.
Identifiers: ClinVar variation 2157730 (VCV002157730.1), dbSNP rs749145673, ClinGen allele CA2097640.